The following is an entry in ClinVar:

ClinVar aggregate classification (germline): Uncertain significance. Review status: criteria provided, multiple submitters, no conflicts (2 of 4 stars). 2 submissions from 2 submitters: Uncertain significance (2). Last evaluated 2025-07-05.

Conditions:
Inborn genetic diseases. Identifiers: MedGen C0950123, MeSH D030342.

Allele frequency attached by ClinVar (database versions not stated): gnomAD exomes below 0.00001; TOPMed 0.00001.

Submissions (2):

GeneDx
Classification: Uncertain significance. Last evaluated: 2025-07-05. Review status: criteria provided, single submitter. Criteria: GeneDx Variant Classification Process June 2021. Collection method: clinical testing. Allele origin: germline. Affected: yes.
Comment: Not observed at significant frequency in large population cohorts (gnomAD); In silico analysis supports that this missense variant has a deleterious effect on protein structure/function; Has not been previously published as pathogenic or benign to our knowledge

Ambry Genetics
Classification: Uncertain significance for Inborn genetic diseases. Last evaluated: 2021-07-14. Review status: criteria provided, single submitter. Criteria: Ambry Variant Classification Scheme 2023. Collection method: clinical testing. Allele origin: germline.

NM_182548.4(LHFPL5):c.154G>A (p.Asp52Asn)

Gene: LHFPL5 (LHFPL tetraspan subfamily member 5; plus strand). Cytogenetic location: 6p21.31.
Variant type: single nucleotide variant.
Coding change: c.154G>A on transcript NM_182548.4 (MANE Select); coding-DNA position 154, G replaced by A.
Protein change: p.Asp52Asn; replaces aspartic acid 52 with asparagine.
Molecular consequence: missense variant.
Genome position (GRCh38, 1-based): chr6:35,805,824, G>A. VCF-style: chr6-35805824-G-A. GRCh37 (hg19) VCF-style: chr6-35773601-G-A.
Other names: short protein forms D52N.
Identifiers: ClinVar variation 2236945 (VCV002236945.3), dbSNP rs898913952, ClinGen allele CA137307476.